The following is an entry in ClinVar:

ClinVar aggregate classification (germline): Uncertain significance. Review status: criteria provided, multiple submitters, no conflicts (2 of 4 stars). 4 submissions from 4 submitters: Uncertain significance (3). 1 of the submissions does not count toward it. Last evaluated 2025-10-23.

Conditions:
COL4A6-related disorder. Also called: COL4A6-related condition.

Allele frequency attached by ClinVar (database versions not stated): gnomAD exomes 0.00004; ExAC 0.00007; 1000 Genomes Project 30x 0.00042; ESP Exome Variant Server 0.00047; 1000 Genomes Project 0.00053.
gnomAD v4.1: 77 of 1,204,712 alleles (0.0064%); highest among the groups gnomAD compares: African/African-American, 0.079%; no homozygotes.

Submissions (4):

Labcorp Genetics (formerly Invitae), Labcorp
Classification: Uncertain significance. Last evaluated: 2025-10-23. Review status: criteria provided, single submitter. Criteria: Invitae Variant Classification Sherloc (09022015). Collection method: clinical testing. Allele origin: germline.
Comment: This sequence change replaces serine, which is neutral and polar, with glycine, which is neutral and non-polar, at codon 551 of the COL4A6 protein (p.Ser551Gly). This variant is present in population databases (rs146828247, gnomAD 0.06%), and has an allele count higher than expected for a pathogenic variant. This variant has not been reported in the literature in individuals affected with COL4A6-related conditions. ClinVar contains an entry for this variant (Variation ID: 1351079). Invitae Evidence Modeling of protein sequence and biophysical properties (such as structural, functional, and spatial information, amino acid conservation, physicochemical variation, residue mobility, and thermodynamic stability) indicates that this missense variant is not expected to disrupt COL4A6 protein function with a negative predictive value of 80%. In summary, the available evidence is currently insufficient to determine the role of this variant in disease. Therefore, it has been classified as a Variant of Uncertain Significance.

Ambry Genetics
Classification: Uncertain significance. Last evaluated: 2025-08-21. Review status: criteria provided, single submitter. Criteria: Ambry Variant Classification Scheme 2023. Collection method: clinical testing. Allele origin: germline.

Women's Health and Genetics/Laboratory Corporation of America, LabCorp
Classification: Uncertain significance. Last evaluated: 2025-06-30. Review status: criteria provided, single submitter. Criteria: LabCorp Variant Classification Summary - May 2015. Collection method: clinical testing. Allele origin: germline.
Comment: Variant summary: COL4A6 c.1651A>G (p.Ser551Gly) results in a non-conservative amino acid change in the encoded protein sequence. Algorithms developed to predict the effect of missense changes on protein structure and function are either unavailable or do not agree on the potential impact of this missense change. The variant allele was found at a frequency of 3.8e-05 in 182462 control chromosomes. The available data on variant occurrences in the general population are insufficient to allow any conclusion about variant significance. To our knowledge, no occurrence of c.1651A>G in individuals affected with Deafness, X-Linked 6 and no experimental evidence demonstrating its impact on protein function have been reported. ClinVar contains an entry for this variant (Variation ID: 1351079). Based on the evidence outlined above, the variant was classified as uncertain significance.

PreventionGenetics, part of Exact Sciences
Classification: Likely benign for COL4A6-related condition. Last evaluated: 2022-02-14. Review status: no assertion criteria provided. Collection method: clinical testing. Allele origin: germline. Not counted in ClinVar's aggregate classification.
Comment: This variant is classified as likely benign based on ACMG/AMP sequence variant interpretation guidelines (Richards et al. 2015 PMID: 25741868, with internal and published modifications).

NM_033641.4(COL4A6):c.1648A>G (p.Ser550Gly)

Gene: COL4A6 (collagen type IV alpha 6 chain; minus strand). Cytogenetic location: Xq22.3.
Variant type: single nucleotide variant.
Coding change: c.1648A>G on transcript NM_033641.4 (MANE Select); coding-DNA position 1648, A replaced by G.
Protein change: p.Ser550Gly; replaces serine 550 with glycine.
Molecular consequence: missense variant.
Genome position (GRCh38, 1-based): chrX:108,187,967, T>C on the plus strand (A>G on the coding strand, the complement: COL4A6 is on the minus strand). VCF-style: chrX-108187967-T-C. GRCh37 (hg19) VCF-style: chrX-107431197-T-C.
Other names: c.1651A>G (NM_001847.3, NM_001847.2); c.1648A>G, p.Ser550Gly (NM_001287758.2, NM_001287759.2, NM_001287760.2); c.1651A>G, p.Ser551Gly (NM_001847.4); short protein forms S550G, S551G.
Identifiers: ClinVar variation 1351079 (VCV001351079.9), dbSNP rs146828247, ClinGen allele CA10487795.